The following is an entry in ClinVar:

ClinVar aggregate classification (germline): Conflicting classifications of pathogenicity. Review status: criteria provided, conflicting classifications (1 of 4 stars). 2 submissions from 2 submitters: Likely pathogenic (1); Uncertain significance (1). Last evaluated 2025-10-30.

Conditions:
Autosomal recessive limb-girdle muscular dystrophy type 2A (LGMDR1). Also called: Limb-girdle muscular dystrophy, type 2A; Calpainopathy; LEYDEN-MOEBIUS MUSCULAR DYSTROPHY; MUSCULAR DYSTROPHY, PELVOFEMORAL; Muscular dystrophy, limb-girdle, type 2A, Amish. Identifiers: Orphanet 267, MedGen C1869123, MONDO:0009675, OMIM 253600. Disease mechanism: loss of function.

Allele frequency attached by ClinVar (database versions not stated): gnomAD exomes below 0.00001.
gnomAD v4.1: 1 of 1,602,420 alleles (0.000062%); highest among the groups gnomAD compares: Middle Eastern, 0.02%; no homozygotes.

Submissions (2):

Diagnostics Services (NGS), CSIR - Centre For Cellular And Molecular Biology
Classification: Likely pathogenic for Autosomal recessive limb-girdle muscular dystrophy type 2A. Last evaluated: 2025-10-30. Review status: criteria provided, single submitter. Criteria: ACMG Guidelines, 2015. Collection method: clinical testing. Allele origin: germline. Affected: yes. Observed: 1 variant allele, 1 heterozygote.
Comment: The c.1345A>G variant is not present in publicly available population databases like 1000 Genomes, EVS, gnomAD and Indian Exome Database or our internal database. This variant has neither been published in literature in individuals affected with CAPN3-related conditions nor reported to the clinical databases like Human Genome Mutation Database (HGMD) or OMIM, in any affected individuals. It has been previously reported to the ClinVar database (Accession: VCV001384857.7) as ‘Uncertain significance’ by a single submitter. In-silico pathogenicity prediction programs like SIFT, Polyphen-2, MutationTaster2021, CADD, Franklin, Varsome, etc predicted this variant to be likely deleterious, however these predictions were not confirmed by published functional studies. This variant is located in a mutational hotspot region of the gene and different amino acid changes in the same codon (Asn449Lys, Asn449His) has been previously observed in affected individuals, published in literature with experimental studies [PMID: 18854869; 22443334] and reported to the clinical databases as ‘Pathogenic / Likely Pathogenic’. This variant has been classified as Likely Pathogenic following the PM1, PM2, PM5, PP3 criteria of ACMG guidelines. This variant has been observed with another pathogenic variant (c.2338G>C, ClinVar Accession: VCV000195641.35) in the CAPN3 gene in heterozygous state.

Labcorp Genetics (formerly Invitae), Labcorp
Classification: Uncertain significance for Autosomal recessive limb-girdle muscular dystrophy type 2A. Last evaluated: 2024-11-18. Review status: criteria provided, single submitter. Criteria: Invitae Variant Classification Sherloc (09022015). Collection method: clinical testing. Allele origin: germline.
Comment: This sequence change replaces asparagine, which is neutral and polar, with aspartic acid, which is acidic and polar, at codon 449 of the CAPN3 protein (p.Asn449Asp). This variant is not present in population databases (gnomAD no frequency). This missense change has been observed in individual(s) with clinical features of autosomal recessive limb-girdle muscular dystrophy (internal data). In at least one individual the data is consistent with being in trans (on the opposite chromosome) from a pathogenic variant. ClinVar contains an entry for this variant (Variation ID: 1384857). Invitae Evidence Modeling of protein sequence and biophysical properties (such as structural, functional, and spatial information, amino acid conservation, physicochemical variation, residue mobility, and thermodynamic stability) indicates that this missense variant is not expected to disrupt CAPN3 protein function with a negative predictive value of 80%. In summary, the available evidence is currently insufficient to determine the role of this variant in disease. Therefore, it has been classified as a Variant of Uncertain Significance.

Literature cited by the submitters: PubMed 18854869 (cited by Diagnostics Services (NGS), CSIR - Centre For Cellular And Molecular Biology); PubMed 22443334 (cited by Diagnostics Services (NGS), CSIR - Centre For Cellular And Molecular Biology).

NM_000070.3(CAPN3):c.1345A>G (p.Asn449Asp)

Gene: CAPN3 (calpain 3; plus strand). Cytogenetic location: 15q15.1.
Variant type: single nucleotide variant.
Coding change: c.1345A>G on transcript NM_000070.3 (MANE Select); coding-DNA position 1345, A replaced by G.
Protein change: p.Asn449Asp; replaces asparagine 449 with aspartic acid.
Molecular consequence: missense variant.
Genome position (GRCh38, 1-based): chr15:42,399,643, A>G. VCF-style: chr15-42399643-A-G. GRCh37 (hg19) VCF-style: chr15-42691841-A-G.
Other names: c.1345A>G, p.Asn449Asp (NM_024344.2); c.1201A>G, p.Asn401Asp (NM_173087.2); short protein forms N401D, N449D.
Identifiers: ClinVar variation 1384857 (VCV001384857.9), dbSNP rs886043144, ClinGen allele CA391999625.